The following is an entry in ClinVar:

ClinVar aggregate classification (germline): Uncertain significance (0 of 4 stars; one submission).

Conditions:
Prostate cancer. Also called: Malignant tumor of prostate. Identifiers: Orphanet 1331, MedGen C0376358, MONDO:0008315, HP:0012125.

Submission:

Science for Life laboratory,  Karolinska Institutet
Classification: Uncertain significance for Malignant tumor of prostate. Review status: no assertion criteria provided. Collection method: not provided. Allele origin: somatic.
Comment: TumorID:SWE-12A
ClinVar note: Converted during submission from Unknown to Uncertain significance.

NM_005683.4(GPR55):c.941C>T (p.Thr314Ile)

Gene: GPR55 (G protein-coupled receptor 55; minus strand). Cytogenetic location: 2q37.1.
Variant type: single nucleotide variant.
Coding change: c.941C>T on transcript NM_005683.4 (MANE Select); coding-DNA position 941, C replaced by T.
Protein change: p.Thr314Ile; replaces threonine 314 with isoleucine.
Molecular consequence: missense variant.
Genome position (GRCh38, 1-based): chr2:230,910,022, G>A on the plus strand (C>T on the coding strand, the complement: GPR55 is on the minus strand). VCF-style: chr2-230910022-G-A. GRCh37 (hg19) VCF-style: chr2-231774737-G-A.
Other names: short protein forms T314I.
Identifiers: ClinVar variation 161638 (VCV000161638.2), dbSNP rs193920808, ClinGen allele CA174508.